The following is an entry in ClinVar:

NM_014714.4(IFT140):c.4220C>T (p.Pro1407Leu)

Gene: IFT140 (intraflagellar transport 140; minus strand). Cytogenetic location: 16p13.3.
Variant type: single nucleotide variant.
Coding change: c.4220C>T on transcript NM_014714.4 (MANE Select); coding-DNA position 4220, C replaced by T.
Protein change: p.Pro1407Leu; replaces proline 1407 with leucine.
Molecular consequence: missense variant.
Genome position (GRCh38, 1-based): chr16:1,511,113, G>A on the plus strand (C>T on the coding strand, the complement: IFT140 is on the minus strand). VCF-style: chr16-1511113-G-A. GRCh37 (hg19) VCF-style: chr16-1561114-G-A.
Other names: short protein forms P1407L.
Identifiers: ClinVar variation 1489972 (VCV001489972.6), dbSNP rs2141089845, ClinGen allele CA394222514.

ClinVar aggregate classification (germline): Uncertain significance (1 of 4 stars; one submission).

Conditions:
Saldino-Mainzer syndrome (SRTD9). Also called: Renal dysplasia, retinal pigmentary dystrophy, cerebellar ataxia and skeletal dysplasia; CONORENAL SYNDROME; SHORT-RIB THORACIC DYSPLASIA 9 WITHOUT POLYDACTYLY; short-rib thoracic dysplasia 9 with or without polydactyly. Identifiers: Orphanet 140969, MedGen C1849437, MONDO:0009964, OMIM 266920.

gnomAD v4.1: 1 of 1,609,602 alleles (0.000062%); no homozygotes.

Submission:

Labcorp Genetics (formerly Invitae), Labcorp
Classification: Uncertain significance for Saldino-Mainzer syndrome. Last evaluated: 2022-08-10. Review status: criteria provided, single submitter. Criteria: Invitae Variant Classification Sherloc (09022015). Collection method: clinical testing. Allele origin: germline.
Comment: This sequence change replaces proline, which is neutral and non-polar, with leucine, which is neutral and non-polar, at codon 1407 of the IFT140 protein (p.Pro1407Leu). This variant is not present in population databases (gnomAD no frequency). This variant has not been reported in the literature in individuals affected with IFT140-related conditions. ClinVar contains an entry for this variant (Variation ID: 1489972). Algorithms developed to predict the effect of missense changes on protein structure and function are either unavailable or do not agree on the potential impact of this missense change (SIFT: "Deleterious"; PolyPhen-2: "Possibly Damaging"; Align-GVGD: "Class C0"). In summary, the available evidence is currently insufficient to determine the role of this variant in disease. Therefore, it has been classified as a Variant of Uncertain Significance.